The following is an entry in ClinVar:

NM_001267550.2(TTN):c.62526T>G (p.Tyr20842Ter)

Genes: TTN (titin; minus strand), TTN-AS1 (TTN antisense RNA 1; plus strand). Cytogenetic location: 2q31.2.
Variant type: single nucleotide variant.
Coding change: c.62526T>G on transcript NM_001267550.2 (MANE Select); coding-DNA position 62526, T replaced by G.
Protein change: p.Tyr20842Ter; replaces tyrosine 20842 with a stop codon.
Molecular consequence: nonsense.
Genome position (GRCh38, 1-based): chr2:178,589,199, A>C on the plus strand (T>G on the coding strand, the complement: TTN is on the minus strand). VCF-style: chr2-178589199-A-C. GRCh37 (hg19) VCF-style: chr2-179453926-A-C.
Other names: c.57603T>G, p.Tyr19201Ter (NM_001256850.1); c.35331T>G, p.Tyr11777Ter (NM_003319.4); c.54822T>G, p.Tyr18274Ter (NM_133378.4); c.35706T>G, p.Tyr11902Ter (NM_133432.3); c.35907T>G, p.Tyr11969Ter (NM_133437.4); short protein forms Y11969*, Y19201*, Y20842*, Y18274*, Y11777*, Y11902*.
Identifiers: ClinVar variation 1502658 (VCV001502658.6), dbSNP rs2049710031, ClinGen allele CA349464554.
Genomic context (GRCh38, chr2:178,589,199, plus strand): 5'-TAAAACATTGACAGTGGCATAGGCCACAAAACTGCCAGCCGTGTTAGTTGCCGTAACTAC[A>C]TATTTACCCCCATCACTTCGCTTTGCTTTAGTAAGAGAAAATTTAGATGAATCAGCACGG-3'

ClinVar aggregate classification (germline): Likely pathogenic (1 of 4 stars; one submission).

Conditions:
Dilated cardiomyopathy 1G (CMD1G). Identifiers: Orphanet 154, MedGen C1858763, MONDO:0011400, OMIM 604145.
Autosomal recessive limb-girdle muscular dystrophy type 2J (LGMDR10). Also called: MUSCULAR DYSTROPHY, LIMB-GIRDLE, AUTOSOMAL RECESSIVE 10; Limb-girdle muscular dystrophy, type 2J. Identifiers: Orphanet 140922, MedGen C1837342, MONDO:0012127, OMIM 608807.

gnomAD v4.1: 1 of 1,613,526 alleles (0.000062%); highest among the groups gnomAD compares: Non-Finnish European, 0.000085%; no homozygotes.

Submission:

Labcorp Genetics (formerly Invitae), Labcorp
Classification: Likely pathogenic for Dilated cardiomyopathy 1G; Autosomal recessive limb-girdle muscular dystrophy type 2J. Last evaluated: 2022-08-09. Review status: criteria provided, single submitter. Criteria: Invitae Variant Classification Sherloc (09022015). Collection method: clinical testing. Allele origin: germline.
Comment: In summary, the currently available evidence indicates that the variant is pathogenic, but additional data are needed to prove that conclusively. Therefore, this variant has been classified as Likely Pathogenic. This variant is located in the A band of TTN (PMID: 25589632). Truncating variants in this region are significantly overrepresented in patients affected with dilated cardiomyopathy (PMID: 25589632). Truncating variants in this region have also been reported in individuals affected with autosomal recessive centronuclear myopathy (PMID: 23975875). ClinVar contains an entry for this variant (Variation ID: 1502658). This variant has not been reported in the literature in individuals affected with TTN-related conditions. This variant is not present in population databases (gnomAD no frequency). This sequence change creates a premature translational stop signal (p.Tyr20842*) in the TTN gene. While this is not anticipated to result in nonsense mediated decay, it is expected to create a truncated TTN protein.

Literature cited by the submitters: PubMed 25589632; PubMed 23975875.